The following is an entry in ClinVar:

NM_001482.3(GATM):c.466C>T (p.Pro156Ser)

Gene: GATM (glycine amidinotransferase; minus strand). Cytogenetic location: 15q21.1.
Variant type: single nucleotide variant.
Coding change: c.466C>T on transcript NM_001482.3 (MANE Select); coding-DNA position 466, C replaced by T.
Protein change: p.Pro156Ser; replaces proline 156 with serine.
Molecular consequence: missense variant.
Genome position (GRCh38, 1-based): chr15:45,369,344, G>A on the plus strand (C>T on the coding strand, the complement: GATM is on the minus strand). VCF-style: chr15-45369344-G-A. GRCh37 (hg19) VCF-style: chr15-45661542-G-A.
Other names: c.79C>T, p.Pro27Ser (NM_001321015.2); short protein forms P156S, P27S.
Identifiers: ClinVar variation 1434790 (VCV001434790.8), dbSNP rs771614762, ClinGen allele CA7542933.

ClinVar aggregate classification (germline): Uncertain significance (1 of 4 stars; one submission).

Conditions:
Arginine:glycine amidinotransferase deficiency (CCDS3). Also called: AGAT deficiency; L-Arginine:Glycine Amidinotransferase Deficiency; Creatine deficiency syndrome due to AGAT deficiency; GATM deficiency; L-Arginine:Glycine Amidinotransferase (AGAT) Deficiency; Cerebral creatine deficiency syndrome 3. Identifiers: Orphanet 35704, MedGen C2675179, MONDO:0012996, OMIM 612718.

Submission:

Labcorp Genetics (formerly Invitae), Labcorp
Classification: Uncertain significance for Arginine:glycine amidinotransferase deficiency. Last evaluated: 2025-12-26. Review status: criteria provided, single submitter. Criteria: Invitae Variant Classification Sherloc (09022015). Collection method: clinical testing. Allele origin: germline.
Comment: This sequence change replaces proline, which is neutral and non-polar, with serine, which is neutral and polar, at codon 156 of the GATM protein (p.Pro156Ser). This variant is present in population databases (rs771614762, gnomAD 0.02%). This variant has not been reported in the literature in individuals affected with GATM-related conditions. ClinVar contains an entry for this variant (Variation ID: 1434790). Invitae Evidence Modeling of protein sequence and biophysical properties (such as structural, functional, and spatial information, amino acid conservation, physicochemical variation, residue mobility, and thermodynamic stability) indicates that this missense variant is expected to disrupt GATM protein function with a positive predictive value of 95%. In summary, the available evidence is currently insufficient to determine the role of this variant in disease. Therefore, it has been classified as a Variant of Uncertain Significance.